The following is an entry in ClinVar:

ClinVar aggregate classification (germline): Benign. Review status: criteria provided, multiple submitters, no conflicts (2 of 4 stars). 13 submissions from 12 submitters: Benign (9). 4 of the submissions do not count toward it. Last evaluated 2026-02-02.

Conditions:
Familial thoracic aortic aneurysm and aortic dissection (TAAD). Also called: Thoracic aortic aneurysms and dissections. Identifiers: Orphanet 91387, MedGen C4707243, MONDO:0019625.
Adams-Oliver syndrome 5 (AOS5). Identifiers: Orphanet 974, MedGen C4014970, MONDO:0014459, OMIM 616028.
Aortic valve disease 1 (AOVD1). Identifiers: MedGen C3887892, MONDO:0024523, OMIM 109730.

Allele frequency attached by ClinVar (database versions not stated): gnomAD exomes 0.00068 and 0.00175; ExAC 0.00237; ESP Exome Variant Server 0.00672; gnomAD 0.00707 and 0.00754; 1000 Genomes Project 0.00779; TOPMed 0.00791; 1000 Genomes Project 30x 0.00890.
gnomAD v4.1: 2,128 of 1,612,234 alleles (0.13%); highest among the groups gnomAD compares: African/African-American, 2.4%; 24 homozygotes.

Submissions (13):

Labcorp Genetics (formerly Invitae), Labcorp
Classification: Benign for Adams-Oliver syndrome 5. Last evaluated: 2026-02-02. Review status: criteria provided, single submitter. Criteria: Invitae Variant Classification Sherloc (09022015). Collection method: clinical testing. Allele origin: germline.

ARUP Laboratories, Molecular Genetics and Genomics, ARUP Laboratories
Classification: Benign. Last evaluated: 2024-03-29. Review status: criteria provided, single submitter. Criteria: ARUP Molecular Germline Variant Investigation Process 2024. Collection method: clinical testing. Allele origin: germline.

Mayo Clinic Laboratories, Mayo Clinic
Classification: Benign. Last evaluated: 2023-07-25. Review status: criteria provided, single submitter. Criteria: ACMG Guidelines, 2015. Collection method: clinical testing. Allele origin: germline. Observed: 7 variant alleles.
Comment: BS1, BS2, BP4, BP7

Women's Health and Genetics/Laboratory Corporation of America, LabCorp
Classification: Benign. Last evaluated: 2023-07-21. Review status: criteria provided, single submitter. Criteria: LabCorp Variant Classification Summary - May 2015. Collection method: clinical testing. Allele origin: germline.

Genome-Nilou Lab
Classification: Benign for Adams-Oliver syndrome 5. Last evaluated: 2022-03-15. Review status: criteria provided, single submitter. Criteria: ACMG Guidelines, 2015. Collection method: clinical testing. Allele origin: germline. Affected: no.

Genome-Nilou Lab
Classification: Benign for Aortic valve disease 1. Last evaluated: 2022-03-15. Review status: criteria provided, single submitter. Criteria: ACMG Guidelines, 2015. Collection method: clinical testing. Allele origin: germline. Affected: no.

GeneDx
Classification: Benign. Last evaluated: 2017-07-18. Review status: criteria provided, single submitter. Criteria: GeneDx Variant Classification (06012015). Collection method: clinical testing. Allele origin: germline. Affected: yes.
Comment: This variant is considered likely benign or benign based on one or more of the following criteria: it is a conservative change, it occurs at a poorly conserved position in the protein, it is predicted to be benign by multiple in silico algorithms, and/or has population frequency not consistent with disease.

Ambry Genetics
Classification: Benign for Familial thoracic aortic aneurysm and aortic dissection. Last evaluated: 2015-06-08. Review status: criteria provided, single submitter. Criteria: Ambry Variant Classification Scheme 2023. Collection method: clinical testing. Allele origin: germline.

Breakthrough Genomics
Classification: Benign. Review status: criteria provided, single submitter. Criteria: ACMG Guidelines, 2015. Collection method: not provided. Allele origin: germline. Inheritance: Autosomal dominant inheritance. Affected: yes.

Clinical Genetics DNA and cytogenetics Diagnostics Lab, Erasmus MC, Erasmus Medical Center
Classification: Benign. Review status: no assertion criteria provided. Collection method: clinical testing. Allele origin: germline. Affected: yes. Study: VKGL Data-share Consensus. Not counted in ClinVar's aggregate classification.

Genome Diagnostics Laboratory, Amsterdam University Medical Center
Classification: Benign. Review status: no assertion criteria provided. Collection method: clinical testing. Allele origin: germline. Affected: yes. Study: VKGL Data-share Consensus. Not counted in ClinVar's aggregate classification.

Joint Genome Diagnostic Labs from Nijmegen and Maastricht, Radboudumc and MUMC+
Classification: Likely benign. Review status: no assertion criteria provided. Collection method: clinical testing. Allele origin: germline. Affected: yes. Study: VKGL Data-share Consensus. Not counted in ClinVar's aggregate classification.

Laboratory of Diagnostic Genome Analysis, Leiden University Medical Center (LUMC)
Classification: Likely benign. Review status: no assertion criteria provided. Collection method: clinical testing. Allele origin: germline. Affected: yes. Study: VKGL Data-share Consensus. Not counted in ClinVar's aggregate classification.

Literature cited by the submitters: PubMed 24943832 (cited by Women's Health and Genetics/Laboratory Corporation of America, LabCorp); PubMed 16614245 (cited by Women's Health and Genetics/Laboratory Corporation of America, LabCorp); PubMed 21670202 (cited by Women's Health and Genetics/Laboratory Corporation of America, LabCorp); PubMed 22210878 (cited by Women's Health and Genetics/Laboratory Corporation of America, LabCorp); PubMed 19635999 (cited by Women's Health and Genetics/Laboratory Corporation of America, LabCorp); PubMed 26837699 (cited by Women's Health and Genetics/Laboratory Corporation of America, LabCorp); PubMed 23086750 (cited by Women's Health and Genetics/Laboratory Corporation of America, LabCorp); PubMed 19245433 (cited by Women's Health and Genetics/Laboratory Corporation of America, LabCorp); PubMed 22077063 (cited by Women's Health and Genetics/Laboratory Corporation of America, LabCorp); PubMed 15472075 (cited by Women's Health and Genetics/Laboratory Corporation of America, LabCorp); PubMed 23734977 (cited by Women's Health and Genetics/Laboratory Corporation of America, LabCorp); PubMed 22858860 (cited by Women's Health and Genetics/Laboratory Corporation of America, LabCorp).

NM_017617.5(NOTCH1):c.3780G>C (p.Val1260=)

Gene: NOTCH1 (notch receptor 1; minus strand). Cytogenetic location: 9q34.3.
Variant type: single nucleotide variant.
Coding change: c.3780G>C on transcript NM_017617.5 (MANE Select); coding-DNA position 3780, G replaced by C.
Protein change: p.Val1260=; no amino-acid change (valine 1260 retained).
Molecular consequence: synonymous variant.
Genome position (GRCh38, 1-based): chr9:136,506,837, C>G on the plus strand (G>C on the coding strand, the complement: NOTCH1 is on the minus strand). VCF-style: chr9-136506837-C-G. GRCh37 (hg19) VCF-style: chr9-139401289-C-G.
Other names: p.Val1260=; c.3780G>C, p.Val1260= (LRG_1122t1); c.3780G>C (NM_017617.4).
Identifiers: ClinVar variation 415425 (VCV000415425.26), dbSNP rs201354526, ClinGen allele CA5340801.